The following is an entry in ClinVar:

ClinVar aggregate classification (germline): Uncertain significance (1 of 4 stars; one submission).

Submission:

Dasa
Classification: Uncertain significance. Last evaluated: 2025-01-10. Review status: criteria provided, single submitter. Criteria: DASA Assertion Criteria. Collection method: clinical testing. Allele origin: germline.
Comment: NM_002609.4(PDGFRB):c.1079C>T (p.Ser360Phe) is a missense variant that results in the substitution of serine with phenylalanine. This variant is absent from population databases. Computational prediction algorithms are consistent with a benign effect. The currently available literature and clinical evidence are not sufficient to establish a definitive association between this variant and the reported condition. Therefore, this variant is classified as a variant of uncertain significance.

NM_002609.4(PDGFRB):c.1079C>T (p.Ser360Phe)

Gene: PDGFRB (platelet derived growth factor receptor beta; minus strand). Cytogenetic location: 5q32.
Variant type: single nucleotide variant.
Coding change: c.1079C>T on transcript NM_002609.4 (MANE Select); coding-DNA position 1079, C replaced by T.
Protein change: p.Ser360Phe; replaces serine 360 with phenylalanine.
Molecular consequence: missense variant.
Genome position (GRCh38, 1-based): chr5:150,132,798, G>A on the plus strand (C>T on the coding strand, the complement: PDGFRB is on the minus strand). VCF-style: chr5-150132798-G-A. GRCh37 (hg19) VCF-style: chr5-149512361-G-A.
Other names: c.887C>T, p.Ser296Phe (NM_001355016.2); c.596C>T, p.Ser199Phe (NM_001355017.2); short protein forms S199F, S296F, S360F.
Identifiers: ClinVar variation 4886728 (VCV004886728.2).
Genomic context (GRCh38, chr5:150,132,798, plus strand): 5'-CGAGCTGCTCACCGGGTCTCCGACACGTTGCGCGTGGACAGGGCGATTTCGCCAGCGCTG[G>A]AGTCGCCCAGGGTGCGGTTGTCTTTGAACCACAGGACAGTGGGCGGTGGGTAGGCCTCGA-3'
Protein context (NP_002600.1, residues 350-370): WFKDNRTLGD[Ser360Phe]SAGEIALSTR